The following is an entry in ClinVar:

NM_001458.5(FLNC):c.7118A>T (p.Tyr2373Phe)

Genes: FLNC (filamin C; plus strand), FLNC-AS1 (FLNC antisense RNA 1; minus strand). Cytogenetic location: 7q32.1.
Variant type: single nucleotide variant.
Coding change: c.7118A>T on transcript NM_001458.5 (MANE Select); coding-DNA position 7118, A replaced by T.
Protein change: p.Tyr2373Phe; replaces tyrosine 2373 with phenylalanine.
Molecular consequence: missense variant.
Genome position (GRCh38, 1-based): chr7:128,854,895, A>T. VCF-style: chr7-128854895-A-T. GRCh37 (hg19) VCF-style: chr7-128494949-A-T.
Other names: c.7118A>T (NM_001458.4); c.7019A>T, p.Tyr2340Phe (NM_001127487.2); short protein forms Y2373F, Y2340F.
Identifiers: ClinVar variation 1402675 (VCV001402675.9), dbSNP rs1021731214, ClinGen allele CA369215369.
Genomic context (GRCh38, chr7:128,854,895, plus strand): 5'-GTCCTAGCAAAGCGGAGATTGCATTTGAGGATCGCAAAGATGGCTCCTGCGGCGTCTCCT[A>T]TGTCGTCCAGGAACCAGGTGGGCGTCCACACTGGCAGTGGGGCTGGGCCTGCCTGACCTT-3'
Protein context (NP_001449.3, residues 2363-2383): DRKDGSCGVS[Tyr2373Phe]VVQEPGDYEV

ClinVar aggregate classification (germline): Uncertain significance. Review status: criteria provided, multiple submitters, no conflicts (2 of 4 stars). 2 submissions from 2 submitters: Uncertain significance (2). Last evaluated 2026-09-21.

Conditions:
Cardiovascular phenotype. Identifiers: MedGen CN230736.
Distal myopathy with posterior leg and anterior hand involvement. Also called: WILLIAMS DISTAL MYOPATHY. Identifiers: Orphanet 63273, MedGen C3279722, MONDO:0013550, OMIM 614065.
Myofibrillar myopathy 5. Also called: Filaminopathy (type); FILAMINOPATHY, AUTOSOMAL DOMINANT. Identifiers: Orphanet 171445, MedGen C1836050, MONDO:0012289, OMIM 609524.
Hypertrophic cardiomyopathy 26. Also called: Cardiomyopathy, familial hypertrophic, 26. Identifiers: Orphanet 75249, MedGen C4310749, MONDO:0014883, OMIM 617047.

Submissions (2):

Molecular Diagnostic Laboratory for Inherited Cardiovascular Disease, Montreal Heart Institute
Classification: Uncertain significance for Cardiovascular phenotype. Last evaluated: 2026-09-21. Review status: criteria provided, single submitter. Criteria: ACMG Guidelines, 2015. Collection method: clinical testing. Allele origin: germline. Affected: yes.
Comment: PM2

Labcorp Genetics (formerly Invitae), Labcorp
Classification: Uncertain significance for Distal myopathy with posterior leg and anterior hand involvement; Myofibrillar myopathy 5; Hypertrophic cardiomyopathy 26. Last evaluated: 2021-05-09. Review status: criteria provided, single submitter. Criteria: Invitae Variant Classification Sherloc (09022015). Collection method: clinical testing. Allele origin: germline.
Comment: This sequence change replaces tyrosine with phenylalanine at codon 2373 of the FLNC protein (p.Tyr2373Phe). The tyrosine residue is highly conserved and there is a small physicochemical difference between tyrosine and phenylalanine. This variant is not present in population databases (ExAC no frequency). This variant has not been reported in the literature in individuals with FLNC-related conditions. Algorithms developed to predict the effect of missense changes on protein structure and function are either unavailable or do not agree on the potential impact of this missense change (SIFT: "Deleterious"; PolyPhen-2: "Probably Damaging"; Align-GVGD: "Class C0"). In summary, the available evidence is currently insufficient to determine the role of this variant in disease. Therefore, it has been classified as a Variant of Uncertain Significance.